The following is an entry in ClinVar:

ClinVar aggregate classification (germline): Benign (1 of 4 stars; one submission).

Allele frequency attached by ClinVar (database versions not stated): 1000 Genomes Project 0.00020; 1000 Genomes Project 30x 0.00031; gnomAD 0.00102; TOPMed 0.00124.

Submission:

CeGaT Center for Human Genetics Tuebingen
Classification: Benign. Last evaluated: 2022-03-01. Review status: criteria provided, single submitter. Criteria: CeGaT Center For Human Genetics Tuebingen Variant Classification Criteria Version 2. Collection method: clinical testing. Allele origin: germline. Affected: yes. Observed: 1 variant allele.
Comment: NR4A2: BS1, BS2

NC_000002.12:g.156238340T>C

Genes: LINC01876 (long independently transcribed non-coding RNA 1876; minus strand), NR4A2 (nuclear receptor subfamily 4 group A member 2; minus strand). Cytogenetic location: 2q24.1.
Variant type: single nucleotide variant.
Genome position: GRCh38 VCF-style: chr2-156238340-T-C. GRCh37 (hg19) VCF-style: chr2-157094852-T-C.
Identifiers: ClinVar variation 2651440 (VCV002651440.24), dbSNP rs182130113, ClinGen allele CA59145938.